The following is an entry in ClinVar:

NM_005751.5(AKAP9):c.352-3C>T

Gene: AKAP9 (A-kinase anchoring protein 9; plus strand). Cytogenetic location: 7q21.2.
Variant type: single nucleotide variant.
Coding change: c.352-3C>T on transcript NM_005751.5 (MANE Select); 3 bases into the intron before coding-DNA position 352, C replaced by T.
Molecular consequence: intron variant.
Genome position (GRCh38, 1-based): chr7:91,992,155, C>T. VCF-style: chr7-91992155-C-T. GRCh37 (hg19) VCF-style: chr7-91621469-C-T.
Other names: c.352-3C>T (NM_147185.3).
Identifiers: ClinVar variation 4767541 (VCV004767541.1).

ClinVar aggregate classification (germline): Uncertain significance (1 of 4 stars; one submission).

Conditions:
Long QT syndrome (LQTS). Identifiers: MedGen C0023976, MeSH D008133, MONDO:0002442. Disease mechanism: loss of function. Inheritance: Various modes of inheritance.

gnomAD v4.1: 1 of 1,605,238 alleles (0.000062%); highest among the groups gnomAD compares: Non-Finnish European, 0.000085%; no homozygotes.

Submission:

Labcorp Genetics (formerly Invitae), Labcorp
Classification: Uncertain significance for Long QT syndrome. Last evaluated: 2025-09-14. Review status: criteria provided, single submitter. Criteria: Invitae Variant Classification Sherloc (09022015). Collection method: clinical testing. Allele origin: germline.
Comment: This sequence change falls in intron 3 of the AKAP9 gene. It does not directly change the encoded amino acid sequence of the AKAP9 protein. It affects a nucleotide within the consensus splice site. This variant is not present in population databases (gnomAD no frequency). This variant has not been reported in the literature in individuals affected with AKAP9-related conditions. Variants that disrupt the consensus splice site are a relatively common cause of aberrant splicing (PMID: 17576681, 9536098). Algorithms developed to predict the effect of sequence changes on RNA splicing suggest that this variant is not likely to affect RNA splicing. In summary, the available evidence is currently insufficient to determine the role of this variant in disease. Therefore, it has been classified as a Variant of Uncertain Significance.

Literature cited by the submitters: PubMed 17576681; PubMed 9536098.